The following is an entry in ClinVar:

NM_024596.5(MCPH1):c.1480G>A (p.Ala494Thr)

Gene: MCPH1 (microcephalin 1; plus strand). Cytogenetic location: 8p23.1.
Variant type: single nucleotide variant.
Coding change: c.1480G>A on transcript NM_024596.5 (MANE Select); coding-DNA position 1480, G replaced by A.
Protein change: p.Ala494Thr; replaces alanine 494 with threonine.
Molecular consequence: missense variant. On other transcripts: non-coding transcript variant (1).
Genome position (GRCh38, 1-based): chr8:6,445,202, G>A. VCF-style: chr8-6445202-G-A. GRCh37 (hg19) VCF-style: chr8-6302723-G-A.
Other names: c.1480G>A, p.Ala494Thr (NM_001172574.2, NM_001322042.2, NM_001363979.1 and 1 more transcripts); c.1336G>A, p.Ala446Thr (NM_001172575.2); c.1474G>A, p.Ala492Thr (NM_001322043.2); c.1378G>A, p.Ala460Thr (NM_001322045.2); short protein forms A494T, A460T, A492T, A446T.
Identifiers: ClinVar variation 198906 (VCV000198906.20), dbSNP rs183880522, ClinGen allele CA247805.
Genomic context (GRCh38, chr8:6,445,202, plus strand): 5'-ACCAATTTCACAGCAAAAACCATCTCCAGTCCTCGGAAAACTGGAAATGGTGAAGGCCGT[G>A]CAACTTCGAGTTGCGTGACTTCTGCCCCTGAAGAAGCCCTAAGGTGTTGTAGACAGGCTG-3'
Protein context (NP_078872.3, residues 484-504): PRKTGNGEGR[Ala494Thr]TSSCVTSAPE

ClinVar aggregate classification (germline): Conflicting classifications of pathogenicity. Review status: criteria provided, conflicting classifications (1 of 4 stars). 4 submissions from 4 submitters: Uncertain significance (2); Benign (1); Likely benign (1). Last evaluated 2026-02-04.

Allele frequency attached by ClinVar (database versions not stated): 1000 Genomes Project 30x 0.00016; 1000 Genomes Project 0.00020; TOPMed 0.00032; gnomAD 0.00056 and 0.00060; ESP Exome Variant Server 0.00058; gnomAD exomes 0.00063 and 0.00083; ExAC 0.00114.
gnomAD v4.1: 1,008 of 1,614,238 alleles (0.062%); highest among the groups gnomAD compares: Non-Finnish European, 0.063%; 2 homozygotes.

Submissions (4):

Labcorp Genetics (formerly Invitae), Labcorp
Classification: Benign. Last evaluated: 2026-02-04. Review status: criteria provided, single submitter. Criteria: Invitae Variant Classification Sherloc (09022015). Collection method: clinical testing. Allele origin: germline.

Women's Health and Genetics/Laboratory Corporation of America, LabCorp
Classification: Likely benign. Last evaluated: 2023-06-08. Review status: criteria provided, single submitter. Criteria: LabCorp Variant Classification Summary - May 2015. Collection method: clinical testing. Allele origin: germline.
Comment: Variant summary: MCPH1 c.1480G>A (p.Ala494Thr) results in a non-conservative amino acid change in the encoded protein sequence. Four of five in-silico tools predict a benign effect of the variant on protein function. The variant allele was found at a frequency of 0.00083 in 249454 control chromosomes, predominantly at a frequency of 0.0012 within the Non-Finnish European subpopulation in the gnomAD database. The observed variant frequency within Non-Finnish European control individuals in the gnomAD database is higher than the estimated maximal expected allele frequency for a pathogenic variant in MCPH1 causing Primary microcephaly phenotype (0.00091), strongly suggesting that the variant is a benign polymorphism found primarily in populations of Non-Finnish European origin. To our knowledge, no occurrence of c.1480G>A in individuals affected with Primary microcephaly and no experimental evidence demonstrating its impact on protein function have been reported. Two clinical diagnostic laboratories have submitted clinical-significance assessments for this variant to ClinVar after 2014 without evidence for independent evaluation. One laboratory classified the variant as benign, and one laboratory classified the variant as uncertain significance. Based on the evidence outlined above, the variant was classified as likely benign.

Genetic Services Laboratory, University of Chicago
Classification: Uncertain significance. Last evaluated: 2019-01-10. Review status: criteria provided, single submitter. Criteria: ACMG Guidelines, 2015. Collection method: clinical testing. Allele origin: germline. Affected: no.

Eurofins Ntd Llc (ga)
Classification: Uncertain significance. Last evaluated: 2014-06-11. Review status: criteria provided, single submitter. Criteria: EGL Classification Definitions 2015. Collection method: clinical testing. Allele origin: germline. Observed: 1 variant allele, 1 heterozygote.